The following is an entry in ClinVar:

NM_032737.4(LMNB2):c.428C>T (p.Thr143Met)

Gene: LMNB2 (lamin B2; minus strand). Cytogenetic location: 19p13.3.
Variant type: single nucleotide variant.
Coding change: c.428C>T on transcript NM_032737.4 (MANE Select); coding-DNA position 428, C replaced by T.
Protein change: p.Thr143Met; replaces threonine 143 with methionine.
Molecular consequence: missense variant.
Genome position (GRCh38, 1-based): chr19:2,438,505, G>A on the plus strand (C>T on the coding strand, the complement: LMNB2 is on the minus strand). VCF-style: chr19-2438505-G-A. GRCh37 (hg19) VCF-style: chr19-2438503-G-A.
Other names: short protein forms T143M.
Identifiers: ClinVar variation 475782 (VCV000475782.12), dbSNP rs375961613, ClinGen allele CA9067890.
Genomic context (GRCh38, chr19:2,438,505, plus strand): 5'-AGCTCCACCTCGCTCCGGTGGAACAGGGACTCCAGGTCCTTCACACGGCCCTGGGCCACC[G>A]TAAGCTCGCCCTCCCTCTTCTTGGCGCTGAAAGTCAAGAGGGCAAGTGAGTGGGGAGGGG-3'
Protein context (NP_116126.3, residues 133-153): KSAKKREGEL[Thr143Met]VAQGRVKDLE

ClinVar aggregate classification (germline): Likely benign. Review status: criteria provided, single submitter (1 of 4 stars). 2 submissions from 2 submitters: Likely benign (1). 1 of the submissions does not count toward it. Last evaluated 2024-12-12.

Conditions:
Lipodystrophy, partial, acquired, susceptibility to (APLD). Also called: APLD, SUSCEPTIBILITY TO. Identifiers: MedGen C3887501, MONDO:0100476, OMIM 608709.
Progressive myoclonic epilepsy type 9. Identifiers: Orphanet 457265, MedGen C4225289, MONDO:0014685, OMIM 616540.
LMNB2-related disorder. Also called: LMNB2-related condition.

Allele frequency attached by ClinVar (database versions not stated): gnomAD exomes 0.00003 and 0.00014; ESP Exome Variant Server 0.00008; gnomAD 0.00008 and 0.00009; TOPMed 0.00008; ExAC 0.00017; 1000 Genomes Project 30x 0.00031; 1000 Genomes Project 0.00040.
gnomAD v4.1: 58 of 1,609,798 alleles (0.0036%); highest among the groups gnomAD compares: East Asian, 0.04%; 1 homozygote.

Submissions (2):

Labcorp Genetics (formerly Invitae), Labcorp
Classification: Likely benign for Progressive myoclonic epilepsy type 9; Lipodystrophy, partial, acquired, susceptibility to. Last evaluated: 2024-12-12. Review status: criteria provided, single submitter. Criteria: Invitae Variant Classification Sherloc (09022015). Collection method: clinical testing. Allele origin: germline.

PreventionGenetics, part of Exact Sciences
Classification: Uncertain significance for LMNB2-related condition. Last evaluated: 2024-09-26. Review status: no assertion criteria provided. Collection method: clinical testing. Allele origin: germline. Not counted in ClinVar's aggregate classification.
Comment: The LMNB2 c.428C>T variant is predicted to result in the amino acid substitution p.Thr143Met. To our knowledge, this variant has not been reported in the literature. This variant is reported in 0.15% of alleles in individuals of East Asian descent in gnomAD. At this time, the clinical significance of this variant is uncertain due to the absence of conclusive functional and genetic evidence.